The following is an entry in ClinVar:

ClinVar aggregate classification (germline): Uncertain significance (1 of 4 stars; one submission).

Submission:

Greenwood Genetic Center Diagnostic Laboratories, Greenwood Genetic Center
Classification: Uncertain significance. Last evaluated: 2021-04-22. Review status: criteria provided, single submitter. Criteria: ACMG Guidelines, 2015. Collection method: clinical testing. Allele origin: germline. Affected: yes.
Comment: PM2

NM_007327.4(GRIN1):c.2589+5G>A

Gene: GRIN1 (glutamate ionotropic receptor NMDA type subunit 1; plus strand). Cytogenetic location: 9q34.3.
Variant type: single nucleotide variant.
Coding change: c.2589+5G>A on transcript NM_007327.4 (MANE Select); 5 bases into the intron after coding-DNA position 2589, G replaced by A.
Molecular consequence: intron variant.
Genome position (GRCh38, 1-based): chr9:137,163,909, G>A. VCF-style: chr9-137163909-G-A. GRCh37 (hg19) VCF-style: chr9-140058361-G-A.
Other names: c.2652+5G>A (NM_001185090.2, NM_001185091.2); c.2589+5G>A (NM_021569.4, NM_000832.7).
Identifiers: ClinVar variation 1334745 (VCV001334745.4), dbSNP rs2131303553, ClinGen allele CA2573053148.